The following is an entry in ClinVar:

NM_173354.5(SIK1):c.1666G>C (p.Gly556Arg)

Gene: SIK1 (salt inducible kinase 1; minus strand). Cytogenetic location: 21q22.3.
Variant type: single nucleotide variant.
Coding change: c.1666G>C on transcript NM_173354.5 (MANE Select); coding-DNA position 1666, G replaced by C.
Protein change: p.Gly556Arg; replaces glycine 556 with arginine.
Molecular consequence: missense variant.
Genome position (GRCh38, 1-based): chr21:43,418,338, C>G on the plus strand (G>C on the coding strand, the complement: SIK1 is on the minus strand). VCF-style: chr21-43418338-C-G. GRCh37 (hg19) VCF-style: chr21-44838218-C-G.
Other names: short protein forms G556R.
Identifiers: ClinVar variation 2965959 (VCV002965959.3), dbSNP rs536432626, ClinGen allele CA321325353.

ClinVar aggregate classification (germline): Uncertain significance (1 of 4 stars; one submission).

Conditions:
Developmental and epileptic encephalopathy, 30 (DEE30). Also called: Epileptic encephalopathy, early infantile, 30. Identifiers: MedGen C4225360, MONDO:0014595, OMIM 616341.

Submission:

Labcorp Genetics (formerly Invitae), Labcorp
Classification: Uncertain significance for Developmental and epileptic encephalopathy, 30. Last evaluated: 2023-10-10. Review status: criteria provided, single submitter. Criteria: Invitae Variant Classification Sherloc (09022015). Collection method: clinical testing. Allele origin: germline.
Comment: This sequence change replaces glycine, which is neutral and non-polar, with arginine, which is basic and polar, at codon 556 of the SIK1 protein (p.Gly556Arg). This variant is present in population databases (rs536432626, gnomAD 0.007%). This variant has not been reported in the literature in individuals affected with SIK1-related conditions. Advanced modeling of protein sequence and biophysical properties (such as structural, functional, and spatial information, amino acid conservation, physicochemical variation, residue mobility, and thermodynamic stability) performed at Invitae indicates that this missense variant is not expected to disrupt SIK1 protein function. In summary, the available evidence is currently insufficient to determine the role of this variant in disease. Therefore, it has been classified as a Variant of Uncertain Significance.